The following is an entry in ClinVar:

ClinVar aggregate classification (germline): Uncertain significance (1 of 4 stars; one submission).

gnomAD v4.1: 1 of 1,614,040 alleles (0.000062%); highest among the groups gnomAD compares: African/African-American, 0.0013%; no homozygotes.

Submission:

Labcorp Genetics (formerly Invitae), Labcorp
Classification: Uncertain significance. Last evaluated: 2024-04-05. Review status: criteria provided, single submitter. Criteria: Invitae Variant Classification Sherloc (09022015). Collection method: clinical testing. Allele origin: germline.
Comment: This sequence change replaces glutamic acid, which is acidic and polar, with glutamine, which is neutral and polar, at codon 1043 of the IGF1R protein (p.Glu1043Gln). This variant is present in population databases (no rsID available, gnomAD 0.01%). This variant has not been reported in the literature in individuals affected with IGF1R-related conditions. Advanced modeling of protein sequence and biophysical properties (such as structural, functional, and spatial information, amino acid conservation, physicochemical variation, residue mobility, and thermodynamic stability) performed at Invitae indicates that this missense variant is not expected to disrupt IGF1R protein function with a negative predictive value of 80%. In summary, the available evidence is currently insufficient to determine the role of this variant in disease. Therefore, it has been classified as a Variant of Uncertain Significance.

NM_000875.5(IGF1R):c.3127G>C (p.Glu1043Gln)

Gene: IGF1R (insulin like growth factor 1 receptor; plus strand). Cytogenetic location: 15q26.3.
Variant type: single nucleotide variant.
Coding change: c.3127G>C on transcript NM_000875.5 (MANE Select); coding-DNA position 3127, G replaced by C.
Protein change: p.Glu1043Gln; replaces glutamic acid 1043 with glutamine.
Molecular consequence: missense variant.
Genome position (GRCh38, 1-based): chr15:98,934,994, G>C. VCF-style: chr15-98934994-G-C. GRCh37 (hg19) VCF-style: chr15-99478223-G-C.
Other names: c.3124G>C, p.Glu1042Gln (NM_001291858.2); short protein forms E1042Q, E1043Q.
Identifiers: ClinVar variation 3648859 (VCV003648859.2).
Genomic context (GRCh38, chr15:98,934,994, plus strand): 5'-AAAGATGAACCTGAAACCAGAGTGGCCATTAAAACAGTGAACGAGGCCGCAAGCATGCGT[G>C]AGAGGATTGAGTTTCTCAACGAAGCTTCTGTGATGAAGGAGTTCAATTGTCACCATGTGG-3'
Protein context (NP_000866.1, residues 1033-1053): KTVNEAASMR[Glu1043Gln]RIEFLNEASV